The following is an entry in ClinVar:

NM_001111125.3(IQSEC2):c.89T>C (p.Ile30Thr)

Gene: IQSEC2 (IQ motif and Sec7 domain ArfGEF 2; minus strand). Cytogenetic location: Xp11.22.
Variant type: single nucleotide variant.
Coding change: c.89T>C on transcript NM_001111125.3 (MANE Select); coding-DNA position 89, T replaced by C.
Protein change: p.Ile30Thr; replaces isoleucine 30 with threonine.
Molecular consequence: missense variant.
Genome position (GRCh38, 1-based): chrX:53,321,035, A>G on the plus strand (T>C on the coding strand, the complement: IQSEC2 is on the minus strand). VCF-style: chrX-53321035-A-G. GRCh37 (hg19) VCF-style: chrX-53350233-A-G.
Other names: short protein forms I30T.
Identifiers: ClinVar variation 1057448 (VCV001057448.11), dbSNP rs2146553075, ClinGen allele CA413240140.

ClinVar aggregate classification (germline): Uncertain significance (1 of 4 stars; one submission).

Conditions:
Intellectual developmental disorder, X-linked 1. Also called: Atkin Flaitz Patil Smith syndrome; Intellectual disability, X-linked 1; MENTAL RETARDATION, X-LINKED 18; MENTAL RETARDATION, X-LINKED 78. Identifiers: Orphanet 777, MedGen C2931498, MONDO:0010656, OMIM 309530.

Submission:

Labcorp Genetics (formerly Invitae), Labcorp
Classification: Uncertain significance for Intellectual developmental disorder, X-linked 1. Last evaluated: 2020-03-30. Review status: criteria provided, single submitter. Criteria: Invitae Variant Classification Sherloc (09022015). Collection method: clinical testing. Allele origin: germline.
Comment: In summary, the available evidence is currently insufficient to determine the role of this variant in disease. Therefore, it has been classified as a Variant of Uncertain Significance. Algorithms developed to predict the effect of missense changes on protein structure and function are either unavailable or do not agree on the potential impact of this missense change (SIFT: "Deleterious"; PolyPhen-2: "Benign"; Align-GVGD: "Class C0"). This variant has not been reported in the literature in individuals with IQSEC2-related conditions. The frequency data for this variant in the population databases is considered unreliable, as metrics indicate insufficient coverage at this position in the ExAC database. This sequence change replaces isoleucine with threonine at codon 30 of the IQSEC2 protein (p.Ile30Thr). The isoleucine residue is weakly conserved and there is a moderate physicochemical difference between isoleucine and threonine.